The following is an entry in ClinVar:

NM_144670.6(A2ML1):c.701A>G (p.Glu234Gly)

Gene: A2ML1 (alpha-2-macroglobulin like 1; plus strand). Cytogenetic location: 12p13.31.
Variant type: single nucleotide variant.
Coding change: c.701A>G on transcript NM_144670.6 (MANE Select); coding-DNA position 701, A replaced by G.
Protein change: p.Glu234Gly; replaces glutamic acid 234 with glycine.
Molecular consequence: missense variant.
Genome position (GRCh38, 1-based): chr12:8,836,312, A>G. VCF-style: chr12-8836312-A-G. GRCh37 (hg19) VCF-style: chr12-8988908-A-G.
Other names: c.701A>G (NM_144670.5); short protein forms E234G.
Identifiers: ClinVar variation 1756705 (VCV001756705.7), dbSNP rs992780546, ClinGen allele CA232670341.
Genomic context (GRCh38, chr12:8,836,312, plus strand): 5'-CAGTGCTGCCGAAGTTTAAGGTGGAAGTGGTGGAACCCAAGGAGTTATCAACGGTGCAGG[A>G]ATCTTTCTTAGTAAAAATTTGTTGTAGGTAAGAGCAGAAGCTTGGGATCTGGTGGAGATT-3'
Protein context (NP_653271.3, residues 224-244): VEPKELSTVQ[Glu234Gly]SFLVKICCRY

ClinVar aggregate classification (germline): Uncertain significance. Review status: criteria provided, multiple submitters, no conflicts (2 of 4 stars). 3 submissions from 3 submitters: Uncertain significance (3). Last evaluated 2025-06-09.

Conditions:
A2ML1-related disorder. Also called: A2ML1-related condition.

Allele frequency attached by ClinVar (database versions not stated): gnomAD 0.00001; TOPMed 0.00001; gnomAD exomes 0.00004.
gnomAD v4.1: 58 of 1,613,990 alleles (0.0036%); highest among the groups gnomAD compares: Non-Finnish European, 0.0047%; no homozygotes.

Submissions (3):

Labcorp Genetics (formerly Invitae), Labcorp
Classification: Uncertain significance. Last evaluated: 2025-06-09. Review status: criteria provided, single submitter. Criteria: Invitae Variant Classification Sherloc (09022015). Collection method: clinical testing. Allele origin: germline.
Comment: This sequence change replaces glutamic acid, which is acidic and polar, with glycine, which is neutral and non-polar, at codon 234 of the A2ML1 protein (p.Glu234Gly). This variant is present in population databases (no rsID available, gnomAD no frequency). This variant has not been reported in the literature in individuals affected with A2ML1-related conditions. ClinVar contains an entry for this variant (Variation ID: 1756705). An algorithm developed to predict the effect of missense changes on protein structure and function (PolyPhen-2) suggests that this variant is likely to be tolerated. Algorithms developed to predict the effect of sequence changes on RNA splicing suggest that this variant may disrupt the consensus splice site. In summary, the available evidence is currently insufficient to determine the role of this variant in disease. Therefore, it has been classified as a Variant of Uncertain Significance.

Ambry Genetics
Classification: Uncertain significance. Last evaluated: 2025-03-31. Review status: criteria provided, single submitter. Criteria: Ambry Variant Classification Scheme 2023. Collection method: clinical testing. Allele origin: germline.
Comment: The p.E234G variant (also known as c.701A>G), located in coding exon 7 of the A2ML1 gene, results from an A to G substitution at nucleotide position 701. The glutamic acid at codon 234 is replaced by glycine, an amino acid with similar properties. This amino acid position is conserved. In addition, this alteration is predicted to be tolerated by in silico analysis. Since supporting evidence is limited at this time, the clinical significance of this alteration remains unclear.

PreventionGenetics, part of Exact Sciences
Classification: Uncertain significance for A2ML1-related condition. Last evaluated: 2025-03-31. Review status: criteria provided, single submitter. Criteria: ACMG Guidelines, 2015. Collection method: clinical testing. Allele origin: germline.
Comment: The A2ML1 c.701A>G variant is predicted to result in the amino acid substitution p.Glu234Gly. To our knowledge, this variant has not been reported in the literature. This variant is reported in 0.0% of alleles in individuals of African descent in gnomAD. At this time, the clinical significance of this variant is uncertain due to the absence of conclusive functional and genetic evidence.